The following is an entry in ClinVar:

ClinVar aggregate classification (germline): Uncertain significance. Review status: criteria provided, single submitter (1 of 4 stars). 2 submissions from 1 submitter: Uncertain significance (1). 1 of the submissions does not count toward it. Last evaluated 2022-03-25.

Conditions:
Bardet-Biedl syndrome (BBS). Identifiers: Orphanet 110, MedGen C0752166, MONDO:0015229.

Submissions (2):

Labcorp Genetics (formerly Invitae), Labcorp
Classification: Uncertain significance for Bardet-Biedl syndrome. Last evaluated: 2022-03-25. Review status: criteria provided, single submitter. Criteria: Invitae Variant Classification Sherloc (09022015). Collection method: clinical testing. Allele origin: germline.
Comment: This variant results in a copy number gain of the genomic region encompassing exon(s) 1-5 of the BBS5 gene. This region includes the initiator codon of the gene. This copy number gain extends beyond the assayed region for this gene and therefore may encompass additional genes. As the precise location of this event is unknown, it may be in tandem or it may be located elsewhere in the genome. This variant has not been reported in the literature in individuals affected with BBS5-related conditions. In summary, the available evidence is currently insufficient to determine the role of this variant in disease. Therefore, it has been classified as a Variant of Uncertain Significance.

Labcorp Genetics (formerly Invitae), Labcorp
Classification: Uncertain significance. Last evaluated: 2022-03-25. Review status: flagged submission. Criteria: Invitae Variant Classification Sherloc (09022015). Collection method: clinical testing. Allele origin: germline. Not counted in ClinVar's aggregate classification.
Comment: A copy number gain of the genomic region encompassing the full coding sequence of the LRP2 gene has been identified. The boundaries of this event are unknown as they extend beyond the assayed region for this gene and therefore may encompass additional genes. As the precise location of this event is unknown, it may be in tandem or it may be located elsewhere in the genome. This variant has not been reported in the literature in individuals affected with LRP2-related conditions. In summary, the available evidence is currently insufficient to determine the role of this variant in disease. Therefore, it has been classified as a Variant of Uncertain Significance.
ClinVar note: Reason: This record appears to be redundant with a more recent record from the same submitter.
ClinVar note: Notes: SCV003793781 appears to be redundant with SCV003796780.

NC_000002.11:g.(?_169853125)_(170344644_?)dup

Genes: ABCB11 (ATP binding cassette subfamily B member 11; minus strand), BBS5 (Bardet-Biedl syndrome 5; plus strand), DHRS9 (dehydrogenase/reductase 9; plus strand), LRP2 (LDL receptor related protein 2; minus strand). Cytogenetic location: 2q31.1.
Variant type: Duplication.
Identifiers: ClinVar variation 2425146 (VCV002425146.3).